The following is an entry in ClinVar:

ClinVar aggregate classification (germline): Uncertain significance. Review status: criteria provided, multiple submitters, no conflicts (2 of 4 stars). 5 submissions from 5 submitters: Uncertain significance (4). 1 of the submissions does not count toward it. Last evaluated 2024-08-11.

Conditions:
Dystrophin deficiency.
Cardiomyopathy (CMYO). Also called: Cardiomyopathies. Identifiers: Orphanet 167848, MedGen C0878544, MONDO:0004994, HP:0001638. Inheritance: Various modes of inheritance.
Becker muscular dystrophy (BMD). Also called: Becker Muscular Dystrophy (BMD); MUSCULAR DYSTROPHY, PSEUDOHYPERTROPHIC PROGRESSIVE, BECKER TYPE. Identifiers: Orphanet 98895, MedGen C0917713, MONDO:0010311, OMIM 300376.
Duchenne muscular dystrophy (DMD). Also called: Duchenne Muscular Dystrophy (DMD); MUSCULAR DYSTROPHY, PSEUDOHYPERTROPHIC PROGRESSIVE, DUCHENNE TYPE. Identifiers: Orphanet 98896, MedGen C0013264, MONDO:0010679, OMIM 310200.
Cardiovascular phenotype. Identifiers: MedGen CN230736.

Allele frequency attached by ClinVar (database versions not stated): ExAC 0.00001; gnomAD 0.00002; gnomAD exomes 0.00002; TOPMed 0.00002.
gnomAD v4.1: 28 of 1,207,114 alleles (0.0023%); highest among the groups gnomAD compares: South Asian, 0.0035%; no homozygotes.

Submissions (5):

Labcorp Genetics (formerly Invitae), Labcorp
Classification: Uncertain significance for Duchenne muscular dystrophy. Last evaluated: 2024-08-11. Review status: criteria provided, single submitter. Criteria: Invitae Variant Classification Sherloc (09022015). Collection method: clinical testing. Allele origin: germline.
Comment: This sequence change replaces arginine, which is basic and polar, with tryptophan, which is neutral and slightly polar, at codon 2107 of the DMD protein (p.Arg2107Trp). The frequency data for this variant in the population databases is considered unreliable, as metrics indicate poor data quality at this position in the gnomAD database. This variant has not been reported in the literature in individuals affected with DMD-related conditions. ClinVar contains an entry for this variant (Variation ID: 518680). Advanced modeling of protein sequence and biophysical properties (such as structural, functional, and spatial information, amino acid conservation, physicochemical variation, residue mobility, and thermodynamic stability) performed at Invitae indicates that this missense variant is not expected to disrupt DMD protein function with a negative predictive value of 95%. In summary, the available evidence is currently insufficient to determine the role of this variant in disease. Therefore, it has been classified as a Variant of Uncertain Significance.

Revvity Omics, Revvity
Classification: Uncertain significance. Last evaluated: 2023-08-28. Review status: criteria provided, single submitter. Criteria: ACMG Guidelines, 2015. Collection method: clinical testing. Allele origin: germline.

Ambry Genetics
Classification: Uncertain significance for Cardiovascular phenotype. Last evaluated: 2022-10-06. Review status: criteria provided, single submitter. Criteria: Ambry Variant Classification Scheme 2023. Collection method: clinical testing. Allele origin: germline.
Comment: The p.R2107W variant (also known as c.6319C>T), located in coding exon 44 of the DMD gene, results from a C to T substitution at nucleotide position 6319. The arginine at codon 2107 is replaced by tryptophan, an amino acid with dissimilar properties. Based on data from gnomAD, the T allele has an overall frequency of 0.0017% (3/181443) total alleles studied, with 2 hemizygotes observed. The highest observed frequency was 0.0053% (1/18851) of South Asian alleles. This amino acid position is highly conserved in available vertebrate species. In addition, the in silico prediction for this alteration is inconclusive. Since supporting evidence is limited at this time, the clinical significance of this alteration remains unclear.

Genome-Nilou Lab
Classification: Uncertain significance for Duchenne muscular dystrophy. Last evaluated: 2021-05-18. Review status: criteria provided, single submitter. Criteria: ACMG Guidelines, 2015. Collection method: clinical testing. Allele origin: germline. Affected: no.

Natera, Inc.
Classification: Uncertain significance for Becker muscular dystrophy; Cardiomyopathy; Duchenne muscular dystrophy; Dystrophin deficiency. Last evaluated: 2018-09-10. Review status: no assertion criteria provided. Collection method: clinical testing. Allele origin: germline. Not counted in ClinVar's aggregate classification.

NM_004006.3(DMD):c.6319C>T (p.Arg2107Trp)

Gene: DMD (dystrophin; minus strand). Cytogenetic location: Xp21.1.
Variant type: single nucleotide variant.
Coding change: c.6319C>T on transcript NM_004006.3 (MANE Select); coding-DNA position 6319, C replaced by T.
Protein change: p.Arg2107Trp; replaces arginine 2107 with tryptophan.
Molecular consequence: missense variant.
Genome position (GRCh38, 1-based): chrX:32,217,035, G>A on the plus strand (C>T on the coding strand, the complement: DMD is on the minus strand). VCF-style: chrX-32217035-G-A. GRCh37 (hg19) VCF-style: chrX-32235152-G-A.
Other names: c.6295C>T, p.Arg2099Trp (NM_000109.4); c.6307C>T, p.Arg2103Trp (NM_004009.3); c.5950C>T, p.Arg1984Trp (NM_004010.3); c.2296C>T, p.Arg766Trp (NM_004011.4); c.2287C>T, p.Arg763Trp (NM_004012.4); short protein forms R2107W, R2099W, R763W, R1984W, R2103W, R766W.
Identifiers: ClinVar variation 518680 (VCV000518680.14), dbSNP rs770711808, ClinGen allele CA10378488.